The following is an entry in ClinVar:

NM_000368.5(TSC1):c.2072T>A (p.Leu691His)

Gene: TSC1 (TSC complex subunit 1; minus strand). Cytogenetic location: 9q34.13.
Variant type: single nucleotide variant.
Coding change: c.2072T>A on transcript NM_000368.5 (MANE Select); coding-DNA position 2072, T replaced by A.
Protein change: p.Leu691His; replaces leucine 691 with histidine.
Molecular consequence: missense variant.
Genome position (GRCh38, 1-based): chr9:132,903,787, A>T on the plus strand (T>A on the coding strand, the complement: TSC1 is on the minus strand). VCF-style: chr9-132903787-A-T. GRCh37 (hg19) VCF-style: chr9-135779174-A-T.
Other names: c.2069T>A, p.Leu690His (NM_001162426.2); c.1919T>A, p.Leu640His (NM_001162427.2); c.1709T>A, p.Leu570His (NM_001362177.2); short protein forms L640H, L690H, L691H, L570H.
Identifiers: ClinVar variation 1504309 (VCV001504309.6), dbSNP rs876658244, ClinGen allele CA375361112.
Genomic context (GRCh38, chr9:132,903,787, plus strand): 5'-TGCTGCCTCTTAAAACGCTCATAGAGTAACTGGTTGTGCAGTAAAAGCAACTGGTCTCGG[A>T]GGGTGCGGATCTCATCTGAAGGAGGAGAGCCTGATTGTAAAGCAGAGGGAGGGTGGCAGA-3'
Protein context (NP_000359.1, residues 681-701): GSPPSDEIRT[Leu691His]RDQLLLLHNQ

ClinVar aggregate classification (germline): Uncertain significance (1 of 4 stars; one submission).

Conditions:
Tuberous sclerosis 1 (TSC1). Identifiers: Orphanet 805, MedGen C1854465, MONDO:0008612, OMIM 191100.

Submission:

Labcorp Genetics (formerly Invitae), Labcorp
Classification: Uncertain significance for Tuberous sclerosis 1. Last evaluated: 2021-11-17. Review status: criteria provided, single submitter. Criteria: Invitae Variant Classification Sherloc (09022015). Collection method: clinical testing. Allele origin: germline.
Comment: This variant is not present in population databases (gnomAD no frequency). This sequence change replaces leucine, which is neutral and non-polar, with histidine, which is basic and polar, at codon 691 of the TSC1 protein (p.Leu691His). This variant has not been reported in the literature in individuals affected with TSC1-related conditions. In summary, the available evidence is currently insufficient to determine the role of this variant in disease. Therefore, it has been classified as a Variant of Uncertain Significance. Algorithms developed to predict the effect of missense changes on protein structure and function are either unavailable or do not agree on the potential impact of this missense change (SIFT: "Deleterious"; PolyPhen-2: "Probably Damaging"; Align-GVGD: "Class C0").